The following is an entry in ClinVar:

NM_018474.6(KIZ):c.990A>C (p.Glu330Asp)

Gene: KIZ (kizuna centrosomal protein; plus strand). Cytogenetic location: 20p11.23.
Variant type: single nucleotide variant.
Coding change: c.990A>C on transcript NM_018474.6 (MANE Select); coding-DNA position 990, A replaced by C.
Protein change: p.Glu330Asp; replaces glutamic acid 330 with aspartic acid.
Molecular consequence: missense variant.
Genome position (GRCh38, 1-based): chr20:21,162,455, A>C. VCF-style: chr20-21162455-A-C. GRCh37 (hg19) VCF-style: chr20-21143096-A-C.
Other names: c.843A>C, p.Glu281Asp (NM_001276389.2); c.990A>C, p.Glu330Asp (NM_001352434.2); c.681A>C, p.Glu227Asp (NM_001352435.2, NM_001163022.3); c.648A>C, p.Glu216Asp (NM_001352436.2); c.591A>C, p.Glu197Asp (NM_001163023.3); short protein forms E216D, E227D, E281D, E330D, E197D.
Identifiers: ClinVar variation 1367496 (VCV001367496.6), dbSNP rs1419956536, ClinGen allele CA408493163.

ClinVar aggregate classification (germline): Uncertain significance (1 of 4 stars; one submission).

Submission:

Labcorp Genetics (formerly Invitae), Labcorp
Classification: Uncertain significance. Last evaluated: 2021-07-14. Review status: criteria provided, single submitter. Criteria: Invitae Variant Classification Sherloc (09022015). Collection method: clinical testing. Allele origin: germline.
Comment: Experimental studies and prediction algorithms are not available or were not evaluated, and the functional significance of this variant is currently unknown. In summary, the available evidence is currently insufficient to determine the role of this variant in disease. Therefore, it has been classified as a Variant of Uncertain Significance. This variant has not been reported in the literature in individuals affected with KIZ-related conditions. This sequence change replaces glutamic acid with aspartic acid at codon 330 of the KIZ protein (p.Glu330Asp). The glutamic acid residue is weakly conserved and there is a small physicochemical difference between glutamic acid and aspartic acid. This variant is not present in population databases (ExAC no frequency).